The following is an entry in ClinVar:

NM_000421.5(KRT10):c.1735T>C (p.Ser579Pro)

Gene: KRT10 (keratin 10; minus strand). Cytogenetic location: 17q21.2.
Variant type: single nucleotide variant.
Coding change: c.1735T>C on transcript NM_000421.5 (MANE Select); coding-DNA position 1735, T replaced by C.
Protein change: p.Ser579Pro; replaces serine 579 with proline.
Molecular consequence: missense variant.
Genome position (GRCh38, 1-based): chr17:40,818,800, A>G on the plus strand (T>C on the coding strand, the complement: KRT10 is on the minus strand). VCF-style: chr17-40818800-A-G. GRCh37 (hg19) VCF-style: chr17-38975052-A-G.
Other names: c.1735T>C, p.Ser579Pro (NM_001379366.1); short protein forms S579P.
Identifiers: ClinVar variation 3698489 (VCV003698489.2).

ClinVar aggregate classification (germline): Uncertain significance (1 of 4 stars; one submission).

gnomAD v4.1: 4 of 1,564,690 alleles (0.00026%); highest among the groups gnomAD compares: Admixed American, 0.0068%; no homozygotes.

Submission:

Labcorp Genetics (formerly Invitae), Labcorp
Classification: Uncertain significance. Last evaluated: 2024-12-24. Review status: criteria provided, single submitter. Criteria: Invitae Variant Classification Sherloc (09022015). Collection method: clinical testing. Allele origin: germline.
Comment: This sequence change replaces serine, which is neutral and polar, with proline, which is neutral and non-polar, at codon 579 of the KRT10 protein (p.Ser579Pro). This variant is present in population databases (rs774891561, gnomAD 0.009%). This variant has not been reported in the literature in individuals affected with KRT10-related conditions. Invitae Evidence Modeling of protein sequence and biophysical properties (such as structural, functional, and spatial information, amino acid conservation, physicochemical variation, residue mobility, and thermodynamic stability) indicates that this missense variant is not expected to disrupt KRT10 protein function with a negative predictive value of 80%. In summary, the available evidence is currently insufficient to determine the role of this variant in disease. Therefore, it has been classified as a Variant of Uncertain Significance.